The following is an entry in ClinVar:

NM_001244710.2(GFPT1):c.107A>G (p.Asp36Gly)

Gene: GFPT1 (glutamine--fructose-6-phosphate transaminase 1; minus strand). Cytogenetic location: 2p13.3.
Variant type: single nucleotide variant.
Coding change: c.107A>G on transcript NM_001244710.2 (MANE Select); coding-DNA position 107, A replaced by G.
Protein change: p.Asp36Gly; replaces aspartic acid 36 with glycine.
Molecular consequence: missense variant.
Genome position (GRCh38, 1-based): chr2:69,374,014, T>C on the plus strand (A>G on the coding strand, the complement: GFPT1 is on the minus strand). VCF-style: chr2-69374014-T-C. GRCh37 (hg19) VCF-style: chr2-69601146-T-C.
Other names: c.107A>G, p.Asp36Gly (NM_002056.4); short protein forms D36G.
Identifiers: ClinVar variation 2002370 (VCV002002370.4), dbSNP rs2466169470, ClinGen allele CA347134976.

ClinVar aggregate classification (germline): Uncertain significance (1 of 4 stars; one submission).

Conditions:
Congenital myasthenic syndrome 12 (CMS12). Also called: MYASTHENIC SYNDROME, CONGENITAL, WITH TUBULAR AGGREGATES 1; Myasthenia, congenital, 12, with tubular aggregates. Identifiers: Orphanet 353327, Orphanet 590, MedGen C3552335, MONDO:0012518, OMIM 610542.

Submission:

Labcorp Genetics (formerly Invitae), Labcorp
Classification: Uncertain significance for Congenital myasthenic syndrome 12. Last evaluated: 2022-07-19. Review status: criteria provided, single submitter. Criteria: Invitae Variant Classification Sherloc (09022015). Collection method: clinical testing. Allele origin: germline.
Comment: In summary, the available evidence is currently insufficient to determine the role of this variant in disease. Therefore, it has been classified as a Variant of Uncertain Significance. Algorithms developed to predict the effect of missense changes on protein structure and function are either unavailable or do not agree on the potential impact of this missense change (SIFT: "Deleterious"; PolyPhen-2: "Probably Damaging"; Align-GVGD: "Class C0"). This variant has not been reported in the literature in individuals affected with GFPT1-related conditions. This variant is not present in population databases (gnomAD no frequency). This sequence change replaces aspartic acid, which is acidic and polar, with glycine, which is neutral and non-polar, at codon 36 of the GFPT1 protein (p.Asp36Gly).